The following is an entry in ClinVar:

NM_000890.5(KCNJ5):c.737_738del (p.Glu246fs)

Gene: KCNJ5 (potassium inwardly rectifying channel subfamily J member 5; plus strand). Cytogenetic location: 11q24.3.
Variant type: Microsatellite.
Coding change: c.737_738del on transcript NM_000890.5 (MANE Select); coding-DNA positions 737 to 738, 2 bases deleted (AG; older notation c.737_738delAG).
Protein change: p.Glu246fs; shifts the reading frame from glutamic acid 246.
Molecular consequence: frameshift variant.
Genome position (GRCh38, 1-based): chr11:128,912,010-128,912,011, AG deleted; deleting any 2 consecutive bases within chr11:128,912,008-128,912,011 gives the same sequence; the c. name uses the placement nearest the transcript's 3' end. VCF-style (leftmost placement, unchanged base first): chr11-128912007-AAG-A. GRCh37 (hg19) VCF-style: chr11-128781902-AAG-A.
Other names: c.737_738del, p.Glu246fs (NM_001354169.2); short protein forms E246fs.
Identifiers: ClinVar variation 2818460 (VCV002818460.3), dbSNP rs2497724655, ClinGen allele CA2739271799.
Genomic context (GRCh38, chr11:128,912,007, plus strand): 5'-GCAACTCCCACATCGTGGAGGCCTCCATCCGGGCCAAGCTCATCAAGTCCCGGCAGACCA[AAG>A]AGGGGGAGTTCATCCCCCTGAACCAGACAGACATCAACGTGGGCTTTGACACGGGCGACG-3'

ClinVar aggregate classification (germline): Uncertain significance (1 of 4 stars; one submission).

Conditions:
Long QT syndrome (LQTS). Identifiers: MedGen C0023976, MeSH D008133, MONDO:0002442. Disease mechanism: loss of function. Inheritance: Various modes of inheritance.

Submission:

Labcorp Genetics (formerly Invitae), Labcorp
Classification: Uncertain significance for Long QT syndrome. Last evaluated: 2023-01-15. Review status: criteria provided, single submitter. Criteria: Invitae Variant Classification Sherloc (09022015). Collection method: clinical testing. Allele origin: germline.
Comment: In summary, the available evidence is currently insufficient to determine the role of this variant in disease. Therefore, it has been classified as a Variant of Uncertain Significance. This sequence change creates a premature translational stop signal (p.Glu246Glyfs*16) in the KCNJ5 gene. It is expected to result in an absent or disrupted protein product. However, the current clinical and genetic evidence is not sufficient to establish whether loss-of-function variants in KCNJ5 cause disease. This variant is not present in population databases (gnomAD no frequency). This variant has not been reported in the literature in individuals affected with KCNJ5-related conditions.